The following is an entry in ClinVar:

ClinVar aggregate classification (germline): Uncertain significance (1 of 4 stars; one submission).

gnomAD v4.1: 1 of 1,613,058 alleles (0.000062%); highest among the groups gnomAD compares: Non-Finnish European, 0.000085%; no homozygotes.

Submission:

Women's Health and Genetics/Laboratory Corporation of America, LabCorp
Classification: Uncertain significance. Last evaluated: 2025-06-26. Review status: criteria provided, single submitter. Criteria: LabCorp Variant Classification Summary - May 2015. Collection method: clinical testing. Allele origin: germline.
Comment: Variant summary: RAI1 c.1460G>T (p.Gly487Val) results in a non-conservative amino acid change in the encoded protein sequence. Algorithms developed to predict the effect of missense changes on protein structure and function are either unavailable or do not agree on the potential impact of this missense change. The variant was absent in 248782 control chromosomes. The available data on variant occurrences in the general population are insufficient to allow any conclusion about variant significance. To our knowledge, no occurrence of c.1460G>T in individuals affected with Smith-Magenis Syndrome and no experimental evidence demonstrating its impact on protein function have been reported. No submitters have cited clinical-significance assessments for this variant to ClinVar. Based on the evidence outlined above, the variant was classified as uncertain significance.

NM_030665.4(RAI1):c.1460G>T (p.Gly487Val)

Gene: RAI1 (retinoic acid induced 1; plus strand). Cytogenetic location: 17p11.2.
Variant type: single nucleotide variant.
Coding change: c.1460G>T on transcript NM_030665.4 (MANE Select); coding-DNA position 1460, G replaced by T.
Protein change: p.Gly487Val; replaces glycine 487 with valine.
Molecular consequence: missense variant.
Genome position (GRCh38, 1-based): chr17:17,794,408, G>T. VCF-style: chr17-17794408-G-T. GRCh37 (hg19) VCF-style: chr17-17697722-G-T.
Other names: short protein forms G487V.
Identifiers: ClinVar variation 3907502 (VCV003907502.1).